The following is an entry in ClinVar:

ClinVar aggregate classification (germline): Benign. Review status: criteria provided, multiple submitters, no conflicts (2 of 4 stars). 8 submissions from 8 submitters: Benign (6). 2 of the submissions do not count toward it. Last evaluated 2026-02-04.

Conditions:
Batten-Turner congenital myopathy. Also called: Myotonia congenita; Congenital myotonia. Identifiers: Orphanet 206973, MedGen C0027127, MONDO:0100468, OMIM 255300.
Congenital myotonia, autosomal recessive form. Also called: BECKER DISEASE; myotonia congenita, autosomal recessive; Becker Generalized Myotonia. Identifiers: Orphanet 614, MedGen C0751360, MONDO:0009715, OMIM 255700.
Congenital myotonia, autosomal dominant form (THD). Also called: Myotonia congenita autosomal dominant; THOMSEN DISEASE. Identifiers: Orphanet 614, MedGen C2936781, MONDO:0008055, OMIM 160800.

Allele frequency attached by ClinVar (database versions not stated): 1000 Genomes Project 0.00499; 1000 Genomes Project 30x 0.00562; gnomAD 0.00913; ESP Exome Variant Server 0.00984; TOPMed 0.00993.
gnomAD v4.1: 19,347 of 1,613,954 alleles (1.2%); highest among the groups gnomAD compares: Non-Finnish European, 1.3%; 163 homozygotes.

Submissions (8):

Labcorp Genetics (formerly Invitae), Labcorp
Classification: Benign for Congenital myotonia, autosomal recessive form; Congenital myotonia, autosomal dominant form. Last evaluated: 2026-02-04. Review status: criteria provided, single submitter. Criteria: Invitae Variant Classification Sherloc (09022015). Collection method: clinical testing. Allele origin: germline.

Athena Diagnostics
Classification: Benign. Last evaluated: 2025-05-08. Review status: criteria provided, single submitter. Criteria: Athena Diagnostics Criteria. Collection method: clinical testing. Allele origin: unknown.
Comment: The frequency of this variant in the general population is higher than would generally be expected for pathogenic variants in this gene.

Mayo Clinic Laboratories, Mayo Clinic
Classification: Benign. Last evaluated: 2018-02-28. Review status: criteria provided, single submitter. Criteria: ACMG Guidelines, 2015. Collection method: clinical testing. Allele origin: germline. Observed: 12 variant alleles.

Illumina Laboratory Services, Illumina
Classification: Benign for Myotonia congenita. Last evaluated: 2018-01-12. Review status: criteria provided, single submitter. Criteria: ICSL Variant Classification Criteria 13 December 2019. Collection method: clinical testing. Allele origin: germline.
Comment: This variant was observed in the ICSL laboratory as part of a predisposition screen in an ostensibly healthy population. It had not been previously curated by ICSL or reported in the Human Gene Mutation Database (HGMD: prior to June 1st, 2018), and was therefore a candidate for classification through an automated scoring system. Utilizing variant allele frequency, disease prevalence and penetrance estimates, and inheritance mode, an automated score was calculated to assess if this variant is too frequent to cause the disease. Based on the score and internal cut-off values, a variant classified as benign is not then subjected to further curation. The score for this variant resulted in a classification of benign for this disease.

GeneDx
Classification: Benign. Last evaluated: 2016-02-03. Review status: criteria provided, single submitter. Criteria: GeneDx Variant Classification (06012015). Collection method: clinical testing. Allele origin: germline. Affected: yes.
Comment: This variant is considered likely benign or benign based on one or more of the following criteria: it is a conservative change, it occurs at a poorly conserved position in the protein, it is predicted to be benign by multiple in silico algorithms, and/or has population frequency not consistent with disease.

Breakthrough Genomics
Classification: Benign. Review status: criteria provided, single submitter. Criteria: ACMG Guidelines, 2015. Collection method: not provided. Allele origin: germline. Inheritance: Autosomal recessive inheritance. Affected: yes.

Joint Genome Diagnostic Labs from Nijmegen and Maastricht, Radboudumc and MUMC+
Classification: Benign. Review status: no assertion criteria provided. Collection method: clinical testing. Allele origin: germline. Affected: yes. Study: VKGL Data-share Consensus. Not counted in ClinVar's aggregate classification.

Laboratory of Diagnostic Genome Analysis, Leiden University Medical Center (LUMC)
Classification: Benign. Review status: no assertion criteria provided. Collection method: clinical testing. Allele origin: germline. Affected: yes. Study: VKGL Data-share Consensus. Not counted in ClinVar's aggregate classification.

NM_000083.3(CLCN1):c.1797-9C>T

Gene: CLCN1 (chloride voltage-gated channel 1; plus strand). Cytogenetic location: 7q34.
Variant type: single nucleotide variant.
Coding change: c.1797-9C>T on transcript NM_000083.3 (MANE Select); 9 bases into the intron before coding-DNA position 1797, C replaced by T.
Molecular consequence: intron variant.
Genome position (GRCh38, 1-based): chr7:143,342,363, C>T. VCF-style: chr7-143342363-C-T. GRCh37 (hg19) VCF-style: chr7-143039456-C-T.
Other names: p.?.
Identifiers: ClinVar variation 359113 (VCV000359113.21), dbSNP rs41276057, ClinGen allele CA4537488.
Genomic context (GRCh38, chr7:143,342,363, plus strand): 5'-ATCTTATGGGAGGAATGGAAGGGATAGGTATACGGTGGGGCTAACCCACCATGCTTTCTC[C>T]CTCCATAGCAAATATACCATCTTTGTTGAGGACATCATGGTACGTGATGTGAAGTTTGTT-3'